The following is an entry in ClinVar:

NM_001170629.2(CHD8):c.6169A>C (p.Ser2057Arg)

Gene: CHD8 (chromodomain helicase DNA binding protein 8; minus strand). Cytogenetic location: 14q11.2.
Variant type: single nucleotide variant.
Coding change: c.6169A>C on transcript NM_001170629.2 (MANE Select); coding-DNA position 6169, A replaced by C.
Protein change: p.Ser2057Arg; replaces serine 2057 with arginine.
Molecular consequence: missense variant.
Genome position (GRCh38, 1-based): chr14:21,393,626, T>G on the plus strand (A>C on the coding strand, the complement: CHD8 is on the minus strand). VCF-style: chr14-21393626-T-G. GRCh37 (hg19) VCF-style: chr14-21861785-T-G.
Other names: c.5332A>C, p.Ser1778Arg (NM_020920.4); short protein forms S1778R, S2057R.
Identifiers: ClinVar variation 1708777 (VCV001708777.5), dbSNP rs2501855953, ClinGen allele CA388880275.

ClinVar aggregate classification (germline): Uncertain significance. Review status: criteria provided, single submitter (1 of 4 stars). 2 submissions from 2 submitters: Uncertain significance (1). 1 of the submissions does not count toward it. Last evaluated 2025-12-19.

Conditions:
Autism (AUTS). Also called: Autistic disorder; Autistic disorder of childhood onset. Identifiers: MedGen C0004352, MeSH D001321, MONDO:0005260, OMIM 209850, HP:0000717.

Submissions (2):

GeneDx
Classification: Uncertain significance. Last evaluated: 2025-12-19. Review status: criteria provided, single submitter. Criteria: GeneDx Variant Classification Process June 2021. Collection method: clinical testing. Allele origin: germline. Affected: yes.
Comment: Not observed at significant frequency in large population cohorts (gnomAD); In silico analysis suggests that this missense variant does not alter protein structure/function; Has not been previously published as pathogenic or benign to our knowledge

Centre for Addiction & Mental Health
Classification: Uncertain significance for Autism. Review status: no assertion criteria provided. Collection method: research. Allele origin: maternal. Affected: yes. Observed: 1 heterozygote. Segregation with disease observed. Not counted in ClinVar's aggregate classification.
Comment: Nonsynonymous variant in known disease gene; no homozygotes in gnomAD control data, but no functional assay data available